The following is an entry in ClinVar:

ClinVar aggregate classification (germline): Uncertain significance (1 of 4 stars; one submission).

Allele frequency attached by ClinVar (database versions not stated): gnomAD exomes below 0.00001; ExAC 0.00001.
gnomAD v4.1: 10 of 1,610,232 alleles (0.00062%); highest among the groups gnomAD compares: African/African-American, 0.013%; no homozygotes.

Submission:

Labcorp Genetics (formerly Invitae), Labcorp
Classification: Uncertain significance. Last evaluated: 2025-12-13. Review status: criteria provided, single submitter. Criteria: Invitae Variant Classification Sherloc (09022015). Collection method: clinical testing. Allele origin: germline.
Comment: This sequence change replaces threonine, which is neutral and polar, with serine, which is neutral and polar, at codon 496 of the TNNI3K protein (p.Thr496Ser). This variant is present in population databases (rs200683757, gnomAD 0.008%). This variant has not been reported in the literature in individuals affected with TNNI3K-related conditions. ClinVar contains an entry for this variant (Variation ID: 1384355). Invitae Evidence Modeling of protein sequence and biophysical properties (such as structural, functional, and spatial information, amino acid conservation, physicochemical variation, residue mobility, and thermodynamic stability) indicates that this missense variant is not expected to disrupt TNNI3K protein function with a negative predictive value of 80%. In summary, the available evidence is currently insufficient to determine the role of this variant in disease. Therefore, it has been classified as a Variant of Uncertain Significance.

NM_015978.3(TNNI3K):c.1487C>G (p.Thr496Ser)

Genes: FPGT-TNNI3K (FPGT-TNNI3K readthrough; plus strand), TNNI3K (TNNI3 interacting kinase; plus strand). Cytogenetic location: 1p31.1.
Variant type: single nucleotide variant.
Coding change: c.1487C>G on transcript NM_015978.3 (MANE Select); coding-DNA position 1487, C replaced by G.
Protein change: p.Thr496Ser; replaces threonine 496 with serine.
Molecular consequence: missense variant.
Genome position (GRCh38, 1-based): chr1:74,369,405, C>G. VCF-style: chr1-74369405-C-G. GRCh37 (hg19) VCF-style: chr1-74835089-C-G.
Other names: c.1790C>G, p.Thr597Ser (NM_001112808.3, NM_001199327.2); short protein forms T597S, T496S.
Identifiers: ClinVar variation 1384355 (VCV001384355.8), dbSNP rs200683757, ClinGen allele CA909317.